The following is an entry in ClinVar:

NM_000048.4(ASL):c.338G>A (p.Arg113Gln)

Gene: ASL (argininosuccinate lyase; plus strand). Cytogenetic location: 7q11.21.
Variant type: single nucleotide variant.
Coding change: c.338G>A on transcript NM_000048.4 (MANE Select); coding-DNA position 338, G replaced by A.
Protein change: p.Arg113Gln; replaces arginine 113 with glutamine.
Molecular consequence: missense variant.
Genome position (GRCh38, 1-based): chr7:66,082,926, G>A. VCF-style: chr7-66082926-G-A. GRCh37 (hg19) VCF-style: chr7-65547913-G-A.
Other names: c.338G>A, p.Arg113Gln (NM_001024943.2, NM_001024944.2, NM_001024946.2); c.338G>A (NM_000048.3); short protein forms R113Q.
Identifiers: ClinVar variation 555191 (VCV000555191.12), dbSNP rs752783461, ClinGen allele CA4276907.

ClinVar aggregate classification (germline): Pathogenic. Review status: criteria provided, multiple submitters, no conflicts (2 of 4 stars). 5 submissions from 5 submitters: Pathogenic (4). 1 of the submissions does not count toward it. Last evaluated 2025-11-22.

Conditions:
Argininosuccinate lyase deficiency. Also called: Argininosuccinic aciduria; ARGININOSUCCINIC ACID LYASE DEFICIENCY; ASL DEFICIENCY. Identifiers: Orphanet 23, MedGen C0268547, MONDO:0008815, OMIM 207900, HP:0025630.

Allele frequency attached by ClinVar (database versions not stated): ExAC 0.00002; gnomAD 0.00002 and 0.00003; gnomAD exomes 0.00002; TOPMed 0.00002.
gnomAD v4.1: 37 of 1,613,476 alleles (0.0023%); highest among the groups gnomAD compares: South Asian, 0.0033%; no homozygotes.

Submissions (5):

Labcorp Genetics (formerly Invitae), Labcorp
Classification: Pathogenic for Argininosuccinate lyase deficiency. Last evaluated: 2025-11-22. Review status: criteria provided, single submitter. Criteria: Invitae Variant Classification Sherloc (09022015). Collection method: clinical testing. Allele origin: germline.
Comment: This sequence change replaces arginine, which is basic and polar, with glutamine, which is neutral and polar, at codon 113 of the ASL protein (p.Arg113Gln). The frequency data for this variant in the population databases is considered unreliable, as metrics indicate poor data quality at this position in the gnomAD database. This missense change has been observed in individual(s) with argininosuccinic aciduria (PMID: 17326097). In at least one individual the data is consistent with being in trans (on the opposite chromosome) from a pathogenic variant. ClinVar contains an entry for this variant (Variation ID: 555191). Invitae Evidence Modeling of protein sequence and biophysical properties (such as structural, functional, and spatial information, amino acid conservation, physicochemical variation, residue mobility, and thermodynamic stability) indicates that this missense variant is expected to disrupt ASL protein function with a positive predictive value of 95%. Experimental studies have shown that this missense change affects ASL function (PMID: 31943503). This variant disrupts the p.Arg113 amino acid residue in ASL. Other variant(s) that disrupt this residue have been determined to be pathogenic (PMID: 10896281, 24166829). This suggests that this residue is clinically significant, and that variants that disrupt this residue are likely to be disease-causing. For these reasons, this variant has been classified as Pathogenic.

Natera, Inc.
Classification: Pathogenic for Argininosuccinate lyase deficiency. Last evaluated: 2025-08-26. Review status: criteria provided, single submitter. Criteria: Natera Variant Classification Schema (03/2026). Collection method: clinical testing. Allele origin: germline.
Comment: The c.338G>A variant in ASL is a missense variant predicted to cause substitution of arginine to glutamine at amino acid 113. This variant is rare in the general population with a frequency below the threshold expected for the associated phenotype(s). This variant has been observed in one or more individuals affected with the associated recessive disease, as either homozygous or compound heterozygous with a second variant (PMID: 17326097, 24166829, 25433810, 31943503). Functional studies show that this variant may disrupt protein function (PMID: 31943503). A different variant at the same position has been determined to be Pathogenic or Likely Pathogenic. Computational prediction algorithms indicate this variant is likely to affect gene or protein function. Given the available evidence, this variant is classified as Pathogenic.

3billion
Classification: Pathogenic for Argininosuccinate lyase deficiency. Last evaluated: 2024-07-31. Review status: criteria provided, single submitter. Criteria: ACMG Guidelines, 2015. Collection method: clinical testing. Allele origin: germline. Affected: yes.
Comment: The variant is observed at an extremely low frequency in the gnomAD v4.0.0 dataset (total allele frequency: 0.002%). Predicted Consequence/Location: Missense variant In silico tool predictions suggest damaging effect of the variant on gene or gene product [REVEL: 0.95 (>=0.6, sensitivity 0.68 and specificity 0.92); 3Cnet: 0.99 (>=0.6, sensitivity 0.72 and precision 0.9)]. The same nucleotide change resulting in the same amino acid change has been previously reported as pathogenic/likely pathogenic with strong evidence (ClinVar ID: VCV000555191 /PMID: 17326097). A different missense change at the same codon (p.Arg113Trp) has been reported as pathogenic/likely pathogenic with strong evidence (ClinVar ID: VCV000553111 /PMID: 10896281). Therefore, this variant is classified as Pathogenic according to the recommendation of ACMG/AMP guideline.

Laboratory of Medical Genetics, National & Kapodistrian University of Athens
Classification: Pathogenic for Argininosuccinate lyase deficiency. Last evaluated: 2024-02-01. Review status: criteria provided, single submitter. Criteria: ACMG Guidelines, 2015. Collection method: curation. Allele origin: germline. Affected: no.

Counsyl
Classification: Likely pathogenic for Argininosuccinate lyase deficiency. Last evaluated: 2017-11-29. Review status: no assertion criteria provided. Collection method: clinical testing. Allele origin: unknown. Not counted in ClinVar's aggregate classification.

Literature cited by the submitters: PubMed 17326097 (cited by 4 submitters); PubMed 31943503 (cited by Labcorp Genetics (formerly Invitae), Labcorp and Natera, Inc.); PubMed 10896281 (cited by Labcorp Genetics (formerly Invitae), Labcorp and 3billion); PubMed 24166829 (cited by 3 submitters); PubMed 25433810 (cited by Natera, Inc. and Counsyl); PubMed 22081021 (cited by Counsyl); PubMed 19703900 (cited by Counsyl).